The following is an entry in ClinVar:

ClinVar aggregate classification (germline): Uncertain significance. Review status: criteria provided, multiple submitters, no conflicts (2 of 4 stars). 2 submissions from 2 submitters: Uncertain significance (2). Last evaluated 2024-02-25.

Conditions:
Familial thoracic aortic aneurysm and aortic dissection (TAAD). Also called: Thoracic aortic aneurysms and dissections. Identifiers: Orphanet 91387, MedGen C4707243, MONDO:0019625.

Submissions (2):

Ambry Genetics
Classification: Uncertain significance for Familial thoracic aortic aneurysm and aortic dissection. Last evaluated: 2024-02-25. Review status: criteria provided, single submitter. Criteria: Ambry Variant Classification Scheme 2023. Collection method: clinical testing. Allele origin: germline.
Comment: The p.R815W variant (also known as c.2443C>T), located in coding exon 18 of the MED12 gene, results from a C to T substitution at nucleotide position 2443. The arginine at codon 815 is replaced by tryptophan, an amino acid with dissimilar properties. This amino acid position is conserved. In addition, this alteration is predicted to be tolerated by in silico analysis. Based on the available evidence, the clinical significance of this alteration remains unclear.

GeneDx
Classification: Uncertain significance. Last evaluated: 2022-10-04. Review status: criteria provided, single submitter. Criteria: GeneDx Variant Classification Process June 2021. Collection method: clinical testing. Allele origin: germline. Affected: yes.
Comment: Has not been previously published as pathogenic or benign to our knowledge; Not observed at significant frequency in large population cohorts (gnomAD); In silico analysis supports that this missense variant has a deleterious effect on protein structure/function

NM_005120.3(MED12):c.2443C>T (p.Arg815Trp)

Gene: MED12 (mediator complex subunit 12; plus strand). Cytogenetic location: Xq13.1.
Variant type: single nucleotide variant.
Coding change: c.2443C>T on transcript NM_005120.3 (MANE Select); coding-DNA position 2443, C replaced by T.
Protein change: p.Arg815Trp; replaces arginine 815 with tryptophan.
Molecular consequence: missense variant.
Genome position (GRCh38, 1-based): chrX:71,126,056, C>T. VCF-style: chrX-71126056-C-T. GRCh37 (hg19) VCF-style: chrX-70345906-C-T.
Other names: short protein forms R815W.
Identifiers: ClinVar variation 1707975 (VCV001707975.3), dbSNP rs2519682006, ClinGen allele CA413515265.